The following is an entry in ClinVar:

ClinVar aggregate classification (germline): Conflicting classifications of pathogenicity. Review status: criteria provided, conflicting classifications (1 of 4 stars). 2 submissions from 2 submitters: Uncertain significance (1); Likely benign (1). Last evaluated 2023-07-19.

Conditions:
Developmental and epileptic encephalopathy 94 (DEE94). Also called: CHD2-Related Neurodevelopmental Disorders; Epileptic encephalopathy, childhood-onset. Identifiers: Orphanet 1942, Orphanet 2382, MedGen C3809278, MONDO:0014150, OMIM 615369.

Allele frequency attached by ClinVar (database versions not stated): gnomAD 0.00001; gnomAD exomes 0.00001 and 0.00005; TOPMed 0.00002; ESP Exome Variant Server 0.00008.
gnomAD v4.1: 67 of 1,611,358 alleles (0.0042%); highest among the groups gnomAD compares: Non-Finnish European, 0.0055%; no homozygotes.

Submissions (2):

Labcorp Genetics (formerly Invitae), Labcorp
Classification: Uncertain significance for Developmental and epileptic encephalopathy 94. Last evaluated: 2023-07-19. Review status: criteria provided, single submitter. Criteria: Invitae Variant Classification Sherloc (09022015). Collection method: clinical testing. Allele origin: germline.
Comment: ClinVar contains an entry for this variant (Variation ID: 514492). In summary, the available evidence is currently insufficient to determine the role of this variant in disease. Therefore, it has been classified as a Variant of Uncertain Significance. Algorithms developed to predict the effect of sequence changes on RNA splicing suggest that this variant may create or strengthen a splice site. This variant has not been reported in the literature in individuals affected with CHD2-related conditions. This variant is present in population databases (rs372257500, gnomAD 0.002%). This sequence change affects codon 275 of the CHD2 mRNA. It is a 'silent' change, meaning that it does not change the encoded amino acid sequence of the CHD2 protein. It affects a nucleotide within the consensus splice site.

GeneDx
Classification: Likely benign. Last evaluated: 2020-10-19. Review status: criteria provided, single submitter. Criteria: GeneDx Variant Classification Process June 2021. Collection method: clinical testing. Allele origin: germline. Affected: yes.

NM_001271.4(CHD2):c.825A>T (p.Gly275=)

Gene: CHD2 (chromodomain helicase DNA binding protein 2; plus strand). Cytogenetic location: 15q26.1.
Variant type: single nucleotide variant.
Coding change: c.825A>T on transcript NM_001271.4 (MANE Select); coding-DNA position 825, A replaced by T.
Protein change: p.Gly275=; no amino-acid change (glycine 275 retained).
Molecular consequence: synonymous variant.
Genome position (GRCh38, 1-based): chr15:92,941,954, A>T. VCF-style: chr15-92941954-A-T. GRCh37 (hg19) VCF-style: chr15-93485184-A-T.
Other names: c.825A>T, p.Gly275= (NM_001042572.3).
Identifiers: ClinVar variation 514492 (VCV000514492.7), dbSNP rs372257500, ClinGen allele CA274870913.